The following is an entry in ClinVar:

ClinVar aggregate classification (germline): Benign/Likely benign. Review status: criteria provided, multiple submitters, no conflicts (2 of 4 stars). 3 submissions from 3 submitters: Benign (1); Likely benign (2). Last evaluated 2018-07-17.

Conditions:
Autosomal recessive nonsyndromic hearing loss 29. Identifiers: Orphanet 90636, MedGen C3279660, MONDO:0013537, OMIM 614035.

Allele frequency attached by ClinVar (database versions not stated): gnomAD exomes 0.00806; ExAC 0.01006; gnomAD 0.03106 and 0.03325; ESP Exome Variant Server 0.03400; 1000 Genomes Project 0.03474; TOPMed 0.03557; 1000 Genomes Project 30x 0.04013.
gnomAD v4.1: 9,531 of 1,589,256 alleles (0.6%); highest among the groups gnomAD compares: African/African-American, 11%; 438 homozygotes.

Submissions (3):

GeneDx
Classification: Benign. Last evaluated: 2018-07-17. Review status: criteria provided, single submitter. Criteria: GeneDx Variant Classification Process June 2021. Collection method: clinical testing. Allele origin: germline. Affected: yes.

Illumina Laboratory Services, Illumina
Classification: Likely benign for Autosomal recessive nonsyndromic hearing loss 29. Last evaluated: 2018-01-13. Review status: criteria provided, single submitter. Criteria: ICSL Variant Classification Criteria 13 December 2019. Collection method: clinical testing. Allele origin: germline.
Comment: This variant was observed in the ICSL laboratory as part of a predisposition screen in an ostensibly healthy population. It had not been previously curated by ICSL or reported in the Human Gene Mutation Database (HGMD: prior to June 1st, 2018), and was therefore a candidate for classification through an automated scoring system. Utilizing variant allele frequency, disease prevalence and penetrance estimates, and inheritance mode, an automated score was calculated to assess if this variant is too frequent to cause the disease. Based on the score and internal cut-off values, a variant classified as likely benign is not then subjected to further curation. The score for this variant resulted in a classification of likely benign for this disease.

Breakthrough Genomics
Classification: Likely benign. Review status: criteria provided, single submitter. Criteria: ACMG Guidelines, 2015. Collection method: not provided. Allele origin: germline. Inheritance: Autosomal recessive inheritance. Affected: yes.

NM_001146079.2(CLDN14):c.*51G>A

Genes: CLDN14 (claudin 14; minus strand), CLDN14-AS1 (CLDN14 antisense RNA 1; plus strand). Cytogenetic location: 21q22.13.
Variant type: single nucleotide variant.
Coding change: c.*51G>A on transcript NM_001146079.2 (MANE Select); 51 bases downstream of the stop codon, G replaced by A.
Molecular consequence: 3 prime UTR variant.
Genome position (GRCh38, 1-based): chr21:36,460,925, C>T on the plus strand (G>A on the coding strand, the complement: CLDN14 is on the minus strand). VCF-style: chr21-36460925-C-T. GRCh37 (hg19) VCF-style: chr21-37833223-C-T.
Other names: c.*51G>A (NM_001146077.2, NM_001146078.3, NM_012130.4 and 1 more transcripts).
Identifiers: ClinVar variation 339885 (VCV000339885.9), dbSNP rs114551506, ClinGen allele CA10019183.